The following is an entry in ClinVar:

ClinVar aggregate classification (germline): Pathogenic (1 of 4 stars; one submission).

Conditions:
Marfan syndrome (MFS). Also called: FBN1-Related Marfan Syndrome; MARFAN SYNDROME, TYPE I; Marfan syndrome type 1; Marfan's syndrome; Marfan syndrome, classic. Identifiers: Orphanet 284963, Orphanet 558, MedGen C0024796, MONDO:0007947, OMIM 154700.
Familial thoracic aortic aneurysm and aortic dissection (TAAD). Also called: Thoracic aortic aneurysms and dissections. Identifiers: Orphanet 91387, MedGen C4707243, MONDO:0019625.

Submission:

Labcorp Genetics (formerly Invitae), Labcorp
Classification: Pathogenic for Marfan syndrome; Familial thoracic aortic aneurysm and aortic dissection. Last evaluated: 2019-07-05. Review status: criteria provided, single submitter. Criteria: Invitae Variant Classification Sherloc (09022015). Collection method: clinical testing. Allele origin: germline.
Comment: This variant is not present in population databases (ExAC no frequency). This sequence change creates a premature translational stop signal (p.Lys2492Glnfs*8) in the FBN1 gene. It is expected to result in an absent or disrupted protein product. For these reasons, this variant has been classified as Pathogenic. Loss-of-function variants in FBN1 are known to be pathogenic (PMID: 17657824, 19293843).

Literature cited by the submitters: PubMed 17657824; PubMed 19293843.

NM_000138.5(FBN1):c.7473_7480del (p.Lys2492fs)

Gene: FBN1 (fibrillin 1; minus strand). Cytogenetic location: 15q21.1.
Variant type: Deletion.
Coding change: c.7473_7480del on transcript NM_000138.5 (MANE Select); coding-DNA positions 7473 to 7480, 8 bases deleted (CAAGCAAC; older notation c.7473_7480delCAAGCAAC).
Protein change: p.Lys2492fs; shifts the reading frame from lysine 2492.
Molecular consequence: frameshift variant.
Genome position (GRCh38, 1-based): chr15:48,422,042-48,422,049, GTTGCTTG deleted on the plus strand (CAAGCAAC on the coding strand, the reverse complement: FBN1 is on the minus strand); deleting any 8 consecutive bases within chr15:48,422,042-48,422,054 gives the same sequence; the c. name uses the placement nearest the transcript's 3' end. VCF-style (leftmost placement, unchanged base first): chr15-48422041-TGTTGCTTG-T. GRCh37 (hg19) VCF-style: chr15-48714238-TGTTGCTTG-T.
Other names: short protein forms K2492fs.
Identifiers: ClinVar variation 957044 (VCV000957044.9), dbSNP rs2042947612, ClinGen allele CA1139663917.